The following is an entry in ClinVar:

ClinVar aggregate classification (germline): Pathogenic. Review status: criteria provided, single submitter (1 of 4 stars). 3 submissions from 3 submitters: Pathogenic (1). 2 of the submissions do not count toward it. Last evaluated 2024-03-21.

Conditions:
Polycystic kidney disease, adult type (PKD1). Also called: POLYCYSTIC KIDNEY DISEASE, ADULT, TYPE I; Polycystic Kidney Disease 1, Autosomal Dominant; Polycystic kidney disease 1; Polycystic kidney disease 1, severe; Polycystic Kidney, Autosomal Dominant; POLYCYSTIC KIDNEY DISEASE 1 WITH OR WITHOUT POLYCYSTIC LIVER DISEASE. Identifiers: MedGen C3149841, MONDO:0008263, OMIM 173900.
Polycystic kidney disease. Also called: Polycystic kidney dysplasia; Kidney, Polycystic. Identifiers: MedGen C0022680, MeSH D007690, MONDO:0020642, HP:0000113.
PKD1-related disorder. Also called: PKD1-related condition.

Submissions (3):

Fulgent Genetics
Classification: Pathogenic for Polycystic kidney disease, adult type. Last evaluated: 2024-03-21. Review status: criteria provided, single submitter. Criteria: ACMG Guidelines, 2015. Collection method: clinical testing. Allele origin: germline.

PreventionGenetics, part of Exact Sciences
Classification: Pathogenic for PKD1-related condition. Last evaluated: 2024-04-17. Review status: no assertion criteria provided. Collection method: clinical testing. Allele origin: germline. Not counted in ClinVar's aggregate classification.
Comment: The PKD1 c.5221G>T variant is predicted to result in premature protein termination (p.Glu1741*). To our knowledge, this variant has not been reported in the literature or in a large population database, indicating this variant is rare. Nonsense variants in PKD1 are expected to be pathogenic. This variant is interpreted as pathogenic.

Department of Pathology and Laboratory Medicine, Sinai Health System
Classification: Pathogenic for Polycystic Kidney disease. Review status: no assertion criteria provided. Collection method: clinical testing. Allele origin: unknown. Affected: yes. Study: The Canadian Open Genetics Repository (COGR). Not counted in ClinVar's aggregate classification.
Comment: The PKD1 p.Glu1741* variant was not identified in the literature nor was it identified in the dbSNP, ClinVar, LOVD 3.0, ADPKD Mutation Database, PKD1-LOVD, Exome Aggregation Consortium (August 8th 2016), or the Genome Aggregation Database (Feb 27, 2017). The c.5221G>T variant leads to a premature stop codon at position 1741 which is predicted to lead to a truncated or absent protein and loss of function. Loss of function variants of the PKD1 gene are an established mechanism of disease in Autosomal Dominant Polycystic Kidney Disease and is the type of variant expected to cause the disorder. In summary, based on the above information this variant meets our laboratoryâ€šÃ„Ã´s criteria to be classified as pathogenic.

NM_001009944.3(PKD1):c.5221G>T (p.Glu1741Ter)

Gene: PKD1 (polycystin 1, transient receptor potential channel interacting; minus strand). Cytogenetic location: 16p13.3.
Variant type: single nucleotide variant.
Coding change: c.5221G>T on transcript NM_001009944.3 (MANE Select); coding-DNA position 5221, G replaced by T.
Protein change: p.Glu1741Ter; replaces glutamic acid 1741 with a stop codon.
Molecular consequence: nonsense.
Genome position (GRCh38, 1-based): chr16:2,109,946, C>A on the plus strand (G>T on the coding strand, the complement: PKD1 is on the minus strand). VCF-style: chr16-2109946-C-A. GRCh37 (hg19) VCF-style: chr16-2159947-C-A.
Other names: c.5221G>T, p.Glu1741Ter (NM_000296.4); c.5221G>T (NM_001009944.2); short protein forms E1741*.
Identifiers: ClinVar variation 997398 (VCV000997398.3), dbSNP rs2092456617, ClinGen allele CA394377861.
Genomic context (GRCh38, chr16:2,109,946, plus strand): 5'-CCCAGCTCAGCCCCTCCTCCAAGGACCAAGTGTATACGACACCACTGCCACCAGCCAGCT[C>A]GGCACTGAGGGTGACGCTTGTGTTGACGGCAGCTGGGTTCGGGGAGGCGGCCACCATCAG-3'